The following is an entry in ClinVar:

ClinVar aggregate classification (germline): Uncertain significance. Review status: criteria provided, multiple submitters, no conflicts (2 of 4 stars). 2 submissions from 2 submitters: Uncertain significance (2). Last evaluated 2024-01-15.

Conditions:
Action myoclonus-renal failure syndrome. Also called: EPILEPSY, PROGRESSIVE MYOCLONIC, 4, WITH RENAL FAILURE; EPILEPSY, PROGRESSIVE MYOCLONIC, 4, WITHOUT RENAL FAILURE; SCARB2-Related Action Myoclonus-Renal Failure Syndrome; MYOCLONUS-NEPHROPATHY SYNDROME. Identifiers: Orphanet 163696, MedGen C0751779, MeSH D020191, MONDO:0009699, OMIM 254900.
Progressive myoclonic epilepsy. Also called: Familial progressive myoclonic epilepsy; Myoclonic Epilepsies, Progressive; Myoclonus epilepsy; Progressive myoclonus epilepsy. Identifiers: Orphanet 308, Orphanet 98261, MedGen C0751778, MONDO:0020074.

Allele frequency attached by ClinVar (database versions not stated): gnomAD 0.00001; gnomAD exomes 0.00001; TOPMed 0.00002.
gnomAD v4.1: 18 of 1,614,080 alleles (0.0011%); highest among the groups gnomAD compares: African/African-American, 0.004%; no homozygotes.

Submissions (2):

Fulgent Genetics
Classification: Uncertain significance for Action myoclonus-renal failure syndrome. Last evaluated: 2024-01-15. Review status: criteria provided, single submitter. Criteria: ACMG Guidelines, 2015. Collection method: clinical testing. Allele origin: germline.

Labcorp Genetics (formerly Invitae), Labcorp
Classification: Uncertain significance for Progressive myoclonic epilepsy. Last evaluated: 2022-04-30. Review status: criteria provided, single submitter. Criteria: Invitae Variant Classification Sherloc (09022015). Collection method: clinical testing. Allele origin: germline.
Comment: Algorithms developed to predict the effect of missense changes on protein structure and function are either unavailable or do not agree on the potential impact of this missense change (SIFT: "Deleterious"; PolyPhen-2: "Benign"; Align-GVGD: "Class C0"). In summary, the available evidence is currently insufficient to determine the role of this variant in disease. Therefore, it has been classified as a Variant of Uncertain Significance. ClinVar contains an entry for this variant (Variation ID: 656518). This variant has not been reported in the literature in individuals affected with SCARB2-related conditions. This variant is present in population databases (no rsID available, gnomAD 0.002%). This sequence change replaces isoleucine, which is neutral and non-polar, with methionine, which is neutral and non-polar, at codon 434 of the SCARB2 protein (p.Ile434Met).

NM_005506.4(SCARB2):c.1302C>G (p.Ile434Met)

Gene: SCARB2 (scavenger receptor class B member 2; minus strand). Cytogenetic location: 4q21.1.
Variant type: single nucleotide variant.
Coding change: c.1302C>G on transcript NM_005506.4 (MANE Select); coding-DNA position 1302, C replaced by G.
Protein change: p.Ile434Met; replaces isoleucine 434 with methionine.
Molecular consequence: missense variant.
Genome position (GRCh38, 1-based): chr4:76,163,321, G>C on the plus strand (C>G on the coding strand, the complement: SCARB2 is on the minus strand). VCF-style: chr4-76163321-G-C. GRCh37 (hg19) VCF-style: chr4-77084474-G-C.
Other names: c.873C>G, p.Ile291Met (NM_001204255.2); short protein forms I291M, I434M.
Identifiers: ClinVar variation 656518 (VCV000656518.8), dbSNP rs1035540343, ClinGen allele CA99885269.
Genomic context (GRCh38, chr4:76,163,321, plus strand): 5'-GGTAAAAACCAAACCAAAGAACACACCCAGCGCCATGATGATGTAGGGTATGTTGGTGAT[G>C]ATCAAAGTAGTGTTAATCATAGACTTCAGTCGACTCGCCGTCTCTTTATCAATGTGAACA-3'
Protein context (NP_005497.1, residues 424-444): RLKSMINTTL[Ile434Met]ITNIPYIIMA